The following is an entry in ClinVar:

NM_145305.3(SLC25A43):c.672C>T (p.Thr224=)

Gene: SLC25A43 (solute carrier family 25 member 43; plus strand). Cytogenetic location: Xq24.
Variant type: single nucleotide variant.
Coding change: c.672C>T on transcript NM_145305.3 (MANE Select); coding-DNA position 672, C replaced by T.
Protein change: p.Thr224=; no amino-acid change (threonine 224 retained).
Molecular consequence: synonymous variant.
Genome position (GRCh38, 1-based): chrX:119,410,344, C>T. VCF-style: chrX-119410344-C-T. GRCh37 (hg19) VCF-style: chrX-118544307-C-T.
Identifiers: ClinVar variation 3035674 (VCV003035674.2), dbSNP rs142240806, ClinGen allele CA10501886.

ClinVar aggregate classification (germline): Likely benign (0 of 4 stars; one submission).

Conditions:
SLC25A43-related disorder. Also called: SLC25A43-related condition.

gnomAD v4.1: 15 of 1,208,732 alleles (0.0012%); highest among the groups gnomAD compares: African/African-American, 0.0053%; no homozygotes.

Submission:

PreventionGenetics, part of Exact Sciences
Classification: Likely benign for SLC25A43-related condition. Last evaluated: 2019-08-08. Review status: no assertion criteria provided. Collection method: clinical testing. Allele origin: germline.
Comment: This variant is classified as likely benign based on ACMG/AMP sequence variant interpretation guidelines (Richards et al. 2015 PMID: 25741868, with internal and published modifications).